The following is an entry in ClinVar:

NM_032578.4(MYPN):c.815C>T (p.Thr272Ile)

Gene: MYPN (myopalladin; plus strand). Cytogenetic location: 10q21.3.
Variant type: single nucleotide variant.
Coding change: c.815C>T on transcript NM_032578.4 (MANE Select); coding-DNA position 815, C replaced by T.
Protein change: p.Thr272Ile; replaces threonine 272 with isoleucine.
Molecular consequence: missense variant. On other transcripts: 5 prime UTR variant (1), non-coding transcript variant (1).
Genome position (GRCh38, 1-based): chr10:68,122,253, C>T. VCF-style: chr10-68122253-C-T. GRCh37 (hg19) VCF-style: chr10-69882010-C-T.
Other names: c.815C>T, p.Thr272Ile (NM_001256267.2); c.-308C>T (NM_001256268.2); short protein forms T272I.
Identifiers: ClinVar variation 4614670 (VCV004614670.1).
Genomic context (GRCh38, chr10:68,122,253, plus strand): 5'-CAGGGTCTTCCCCTTCATCTCTGTACTATGAAGAACCTCTGGGGCAACCTCCCCGGTTCA[C>T]TCAAAAGTTACGGAGCAGAGAAGTTCCAGAAGGAACTCGAGTACAGTTGGATTGCATAGT-3'
Protein context (NP_115967.2, residues 262-282): EEPLGQPPRF[Thr272Ile]QKLRSREVPE

ClinVar aggregate classification (germline): Uncertain significance (1 of 4 stars; one submission).

Conditions:
Cardiovascular phenotype. Identifiers: MedGen CN230736.

Submission:

Ambry Genetics
Classification: Uncertain significance for Cardiovascular phenotype. Last evaluated: 2025-10-23. Review status: criteria provided, single submitter. Criteria: Ambry Variant Classification Scheme 2023. Collection method: clinical testing. Allele origin: germline.
Comment: The p.T272I variant (also known as c.815C>T), located in coding exon 1 of the MYPN gene, results from a C to T substitution at nucleotide position 815. The threonine at codon 272 is replaced by isoleucine, an amino acid with similar properties. This amino acid position is conserved. In addition, this alteration is predicted to be tolerated by in silico analysis. Based on the available evidence, the clinical significance of this variant remains unclear.